The following is an entry in ClinVar:

NM_002296.4(LBR):c.165+3A>G

Gene: LBR (lamin B receptor; minus strand). Cytogenetic location: 1q42.12.
Variant type: single nucleotide variant.
Coding change: c.165+3A>G on transcript NM_002296.4 (MANE Select); 3 bases into the intron after coding-DNA position 165, A replaced by G.
Molecular consequence: intron variant.
Genome position (GRCh38, 1-based): chr1:225,423,908, T>C on the plus strand (A>G on the coding strand, the complement: LBR is on the minus strand). VCF-style: chr1-225423908-T-C. GRCh37 (hg19) VCF-style: chr1-225611610-T-C.
Other names: c.165+3A>G (NM_194442.3).
Identifiers: ClinVar variation 1477781 (VCV001477781.6), dbSNP rs374922273, ClinGen allele CA1417562.
Genomic context (GRCh38, chr1:225,423,908, plus strand): 5'-CCATACTTAGAGTTATTTCCCACTTACTGTAAACACACTCTGATAAACCAAAGGAGCTCT[T>C]ACCTTAATATCATTCTCTTTCAATTCAAGCTCTGTTCCATCTTTATACTTCACAGTGTAA-3'

ClinVar aggregate classification (germline): Uncertain significance (1 of 4 stars; one submission).

Allele frequency attached by ClinVar (database versions not stated): gnomAD 0.00005; gnomAD exomes 0.00006 and 0.00010; TOPMed 0.00006; ESP Exome Variant Server 0.00008; ExAC 0.00009.
gnomAD v4.1: 98 of 1,612,188 alleles (0.0061%); highest among the groups gnomAD compares: Middle Eastern, 0.033%; no homozygotes.

Submission:

Labcorp Genetics (formerly Invitae), Labcorp
Classification: Uncertain significance. Last evaluated: 2024-10-04. Review status: criteria provided, single submitter. Criteria: Invitae Variant Classification Sherloc (09022015). Collection method: clinical testing. Allele origin: germline.
Comment: This sequence change falls in intron 2 of the LBR gene. It does not directly change the encoded amino acid sequence of the LBR protein. It affects a nucleotide within the consensus splice site. This variant is present in population databases (rs374922273, gnomAD 0.2%). This variant has not been reported in the literature in individuals affected with LBR-related conditions. ClinVar contains an entry for this variant (Variation ID: 1477781). Variants that disrupt the consensus splice site are a relatively common cause of aberrant splicing (PMID: 17576681, 9536098). Algorithms developed to predict the effect of sequence changes on RNA splicing suggest that this variant is not likely to affect RNA splicing. In summary, the available evidence is currently insufficient to determine the role of this variant in disease. Therefore, it has been classified as a Variant of Uncertain Significance.

Literature cited by the submitters: PubMed 17576681; PubMed 9536098.